The following is an entry in ClinVar:

ClinVar aggregate classification (germline): Uncertain significance. Review status: criteria provided, multiple submitters, no conflicts (2 of 4 stars). 2 submissions from 2 submitters: Uncertain significance (2). Last evaluated 2025-03-23.

Allele frequency attached by ClinVar (database versions not stated): ExAC 0.00002; gnomAD 0.00002 and 0.00003; gnomAD exomes 0.00002 and 0.00004; TOPMed 0.00002.
gnomAD v4.1: 62 of 1,614,020 alleles (0.0038%); highest among the groups gnomAD compares: Non-Finnish European, 0.0049%; no homozygotes.

Submissions (2):

GeneDx
Classification: Uncertain significance. Last evaluated: 2025-03-23. Review status: criteria provided, single submitter. Criteria: GeneDx Variant Classification Process June 2021. Collection method: clinical testing. Allele origin: germline. Affected: yes.
Comment: Not observed at significant frequency in large population cohorts (gnomAD); In silico analysis indicates that this missense variant does not alter protein structure/function; Has not been previously published as pathogenic or benign to our knowledge

Labcorp Genetics (formerly Invitae), Labcorp
Classification: Uncertain significance. Last evaluated: 2022-02-05. Review status: criteria provided, single submitter. Criteria: Invitae Variant Classification Sherloc (09022015). Collection method: clinical testing. Allele origin: germline.
Comment: This sequence change replaces arginine, which is basic and polar, with glutamine, which is neutral and polar, at codon 2585 of the SZT2 protein (p.Arg2585Gln). This variant is present in population databases (rs752527663, gnomAD 0.004%). This variant has not been reported in the literature in individuals affected with SZT2-related conditions. ClinVar contains an entry for this variant (Variation ID: 957313). Algorithms developed to predict the effect of missense changes on protein structure and function output the following: SIFT: "Tolerated"; PolyPhen-2: "Possibly Damaging"; Align-GVGD: "Class C0". The glutamine amino acid residue is found in multiple mammalian species, which suggests that this missense change does not adversely affect protein function. In summary, the available evidence is currently insufficient to determine the role of this variant in disease. Therefore, it has been classified as a Variant of Uncertain Significance.

NM_001365999.1(SZT2):c.7925G>A (p.Arg2642Gln)

Gene: SZT2 (SZT2 subunit of KICSTOR complex; plus strand). Cytogenetic location: 1p34.2.
Variant type: single nucleotide variant.
Coding change: c.7925G>A on transcript NM_001365999.1 (MANE Select); coding-DNA position 7925, G replaced by A.
Protein change: p.Arg2642Gln; replaces arginine 2642 with glutamine.
Molecular consequence: missense variant.
Genome position (GRCh38, 1-based): chr1:43,442,319, G>A. VCF-style: chr1-43442319-G-A. GRCh37 (hg19) VCF-style: chr1-43907990-G-A.
Other names: c.7754G>A, p.Arg2585Gln (NM_015284.4); short protein forms R2642Q, R2585Q.
Identifiers: ClinVar variation 957313 (VCV000957313.6), dbSNP rs752527663, ClinGen allele CA810407.